The following is an entry in ClinVar:

NM_001347721.2(DYRK1A):c.2146A>C (p.Asn716His)

Gene: DYRK1A (dual specificity tyrosine phosphorylation regulated kinase 1A; plus strand). Cytogenetic location: 21q22.13.
Variant type: single nucleotide variant.
Coding change: c.2146A>C on transcript NM_001347721.2 (MANE Select); coding-DNA position 2146, A replaced by C.
Protein change: p.Asn716His; replaces asparagine 716 with histidine.
Molecular consequence: missense variant. On other transcripts: 3 prime UTR variant (2).
Genome position (GRCh38, 1-based): chr21:37,512,412, A>C. VCF-style: chr21-37512412-A-C. GRCh37 (hg19) VCF-style: chr21-38884715-A-C.
Other names: c.2146A>C, p.Asn716His (NM_001347722.2, NM_130436.2); c.2059A>C, p.Asn687His (NM_001347723.2); c.2173A>C, p.Asn725His (NM_001396.5); c.*549A>C (NM_101395.2); c.*458A>C (NM_130438.2); short protein forms N687H, N716H, N725H.
Identifiers: ClinVar variation 4886198 (VCV004886198.2).
Genomic context (GRCh38, chr21:37,512,412, plus strand): 5'-TACTCCAATCCCCGCCAAGAGACTGGCATAGCTGGACATCCAACATACCAATTTTCTGCT[A>C]ATACAGGTCCTGCACATTACATGACTGAAGGACATCTGACAATGAGGCAAGGGGCTGATA-3'
Protein context (NP_001334650.1, residues 706-726): AGHPTYQFSA[Asn716His]TGPAHYMTEG

ClinVar aggregate classification (germline): Uncertain significance (1 of 4 stars; one submission).

Submission:

Dasa
Classification: Uncertain significance. Last evaluated: 2025-07-07. Review status: criteria provided, single submitter. Criteria: DASA Assertion Criteria. Collection method: clinical testing. Allele origin: germline.
Comment: NM_001347721.2(DYRK1A):c.2146A>C (p.Asn716His) is a missense variant that results in the substitution of asparagine with histidine. This variant is rare in population databases. Computational prediction algorithms are consistent with a benign effect. The currently available literature and clinical evidence are not sufficient to establish a definitive association between this variant and the reported condition. Therefore, this variant is classified as a variant of uncertain significance.